The following is an entry in ClinVar:

NM_031935.3(HMCN1):c.4506A>G (p.Glu1502=)

Gene: HMCN1 (hemicentin 1; plus strand). Cytogenetic location: 1q31.1.
Variant type: single nucleotide variant.
Coding change: c.4506A>G on transcript NM_031935.3 (MANE Select); coding-DNA position 4506, A replaced by G.
Protein change: p.Glu1502=; no amino-acid change (glutamic acid 1502 retained).
Molecular consequence: synonymous variant.
Genome position (GRCh38, 1-based): chr1:186,007,158, A>G. VCF-style: chr1-186007158-A-G. GRCh37 (hg19) VCF-style: chr1-185976290-A-G.
Other names: c.4506A>G (NM_031935.2).
Identifiers: ClinVar variation 1532476 (VCV001532476.10), dbSNP rs2102094572, ClinGen allele CA422326146.

ClinVar aggregate classification (germline): Likely benign. Review status: criteria provided, single submitter (1 of 4 stars). 2 submissions from 2 submitters: Likely benign (1). 1 of the submissions does not count toward it. Last evaluated 2023-09-03.

Conditions:
HMCN1-related disorder. Also called: HMCN1-related condition.

Allele frequency attached by ClinVar (database versions not stated): gnomAD exomes below 0.00001.
gnomAD v4.1: 10 of 1,613,250 alleles (0.00062%); highest among the groups gnomAD compares: East Asian, 0.0045%; no homozygotes.

Submissions (2):

Labcorp Genetics (formerly Invitae), Labcorp
Classification: Likely benign. Last evaluated: 2023-09-03. Review status: criteria provided, single submitter. Criteria: Invitae Variant Classification Sherloc (09022015). Collection method: clinical testing. Allele origin: germline.

PreventionGenetics, part of Exact Sciences
Classification: Likely benign for HMCN1-related condition. Last evaluated: 2019-02-22. Review status: no assertion criteria provided. Collection method: clinical testing. Allele origin: germline. Not counted in ClinVar's aggregate classification.
Comment: This variant is classified as likely benign based on ACMG/AMP sequence variant interpretation guidelines (Richards et al. 2015 PMID: 25741868, with internal and published modifications).